The following is an entry in ClinVar:

ClinVar aggregate classification (germline): Benign/Likely benign. Review status: criteria provided, multiple submitters, no conflicts (2 of 4 stars). 3 submissions from 3 submitters: Benign (1); Likely benign (1). 1 of the submissions does not count toward it. Last evaluated 2025-10-23.

Conditions:
OPLAH-related disorder. Also called: OPLAH-related condition.
5-Oxoprolinase deficiency (OPLAHD). Also called: 5-OXOPROLINURIA DUE TO 5-OXOPROLINASE DEFICIENCY. Identifiers: Orphanet 33572, MedGen C0268525, MONDO:0009825, OMIM 260005, HP:0040142.

Allele frequency attached by ClinVar (database versions not stated): gnomAD exomes 0.00008 and 0.00023; ExAC 0.00064; TOPMed 0.00091; gnomAD 0.00098 and 0.00099; ESP Exome Variant Server 0.00120; 1000 Genomes Project 30x 0.00141; 1000 Genomes Project 0.00160.

Submissions (3):

Labcorp Genetics (formerly Invitae), Labcorp
Classification: Benign for 5-Oxoprolinase deficiency. Last evaluated: 2025-10-23. Review status: criteria provided, single submitter. Criteria: Invitae Variant Classification Sherloc (09022015). Collection method: clinical testing. Allele origin: germline.

Fulgent Genetics
Classification: Likely benign for 5-Oxoprolinase deficiency. Last evaluated: 2021-09-07. Review status: criteria provided, single submitter. Criteria: ACMG Guidelines, 2015. Collection method: clinical testing. Allele origin: unknown.

PreventionGenetics, part of Exact Sciences
Classification: Likely benign for OPLAH-related condition. Last evaluated: 2020-01-22. Review status: no assertion criteria provided. Collection method: clinical testing. Allele origin: germline. Not counted in ClinVar's aggregate classification.
Comment: This variant is classified as likely benign based on ACMG/AMP sequence variant interpretation guidelines (Richards et al. 2015 PMID: 25741868, with internal and published modifications).

NM_017570.5(OPLAH):c.2097-8C>T

Gene: OPLAH (5-oxoprolinase, ATP-hydrolysing; minus strand). Cytogenetic location: 8q24.3.
Variant type: single nucleotide variant.
Coding change: c.2097-8C>T on transcript NM_017570.5 (MANE Select); 8 bases into the intron before coding-DNA position 2097, C replaced by T.
Molecular consequence: intron variant.
Genome position (GRCh38, 1-based): chr8:144,055,947, G>A on the plus strand (C>T on the coding strand, the complement: OPLAH is on the minus strand). VCF-style: chr8-144055947-G-A. GRCh37 (hg19) VCF-style: chr8-145110850-G-A.
Identifiers: ClinVar variation 776391 (VCV000776391.13), dbSNP rs376189869, ClinGen allele CA4931574.
Genomic context (GRCh38, chr8:144,055,947, plus strand): 5'-TGTCCCCTGTCTTGGTCACCTCTGCCTGGCAACCTGGCTCCACCAGGATGGTGCTGGGGA[G>A]CAGAGGGCACAGAGGGCTGCATGGGGCCAGGCGACACCCCTCCAACCAGAGATGCCACGG-3'